The following is an entry in ClinVar:

ClinVar aggregate classification (germline): Benign/Likely benign. Review status: criteria provided, multiple submitters, no conflicts (2 of 4 stars). 3 submissions from 3 submitters: Benign (1); Likely benign (1). 1 of the submissions does not count toward it. Last evaluated 2025-02-16.

Conditions:
EP400-related disorder. Also called: EP400-related condition.

Submissions (3):

Laboratory of Genetics, Children's Clinical University Hospital Latvia
Classification: Likely benign. Last evaluated: 2025-02-16. Review status: criteria provided, single submitter. Criteria: ACMG Guidelines, 2015. Collection method: clinical testing. Allele origin: germline. Affected: yes.

Labcorp Genetics (formerly Invitae), Labcorp
Classification: Benign. Last evaluated: 2019-12-31. Review status: criteria provided, single submitter. Criteria: Invitae Variant Classification Sherloc (09022015). Collection method: clinical testing. Allele origin: germline.

PreventionGenetics, part of Exact Sciences
Classification: Benign for EP400-related condition. Last evaluated: 2019-11-05. Review status: no assertion criteria provided. Collection method: clinical testing. Allele origin: germline. Not counted in ClinVar's aggregate classification.
Comment: This variant is classified as benign based on ACMG/AMP sequence variant interpretation guidelines (Richards et al. 2015 PMID: 25741868, with internal and published modifications).

NM_015409.5(EP400):c.8184GCA[16] (p.Gln2747_Gln2748dup)

Gene: EP400 (E1A binding protein p400; plus strand). Cytogenetic location: 12q24.33.
Variant type: Microsatellite.
Coding change: c.8184GCA[16] on transcript NM_015409.5 (MANE Select); 16 copies in a row of the 3-base unit GCA starting at c.8184; the reference has 14 copies in a row; two copies, 6 bases duplicated.
Protein change: p.Gln2747_Gln2748dup.
Molecular consequence: inframe insertion.
Genome position (GRCh38, 1-based): chr12:132,062,587-132,062,592, GCAGCA duplicated; duplicating any 6 consecutive bases within chr12:132,062,549-132,062,592 gives the same sequence; the position shown is the placement nearest the transcript's 3' end. VCF-style (leftmost placement, unchanged base first): chr12-132062548-A-ACAGCAG. GRCh37 (hg19) VCF-style: chr12-132547093-A-ACAGCAG.
Other names: c.8220_8225dup6 (NM_015409.4).
Identifiers: ClinVar variation 771188 (VCV000771188.7), dbSNP rs528214697, ClinGen allele CA246197032.